The following is an entry in ClinVar:

ClinVar aggregate classification (germline): Uncertain significance (1 of 4 stars; one submission).

Allele frequency attached by ClinVar (database versions not stated): ExAC 0.00001; gnomAD exomes 0.00001; TOPMed 0.00001.

Submission:

Labcorp Genetics (formerly Invitae), Labcorp
Classification: Uncertain significance. Last evaluated: 2022-08-22. Review status: criteria provided, single submitter. Criteria: Invitae Variant Classification Sherloc (09022015). Collection method: clinical testing. Allele origin: germline.
Comment: In summary, the available evidence is currently insufficient to determine the role of this variant in disease. Therefore, it has been classified as a Variant of Uncertain Significance. Algorithms developed to predict the effect of missense changes on protein structure and function (SIFT, PolyPhen-2, Align-GVGD) all suggest that this variant is likely to be disruptive. This variant has not been reported in the literature in individuals affected with RASA2-related conditions. This variant is present in population databases (rs756067549, gnomAD 0.002%). This sequence change replaces tyrosine, which is neutral and polar, with cysteine, which is neutral and slightly polar, at codon 459 of the RASA2 protein (p.Tyr459Cys).

NM_006506.5(RASA2):c.1376A>G (p.Tyr459Cys)

Gene: RASA2 (RAS p21 protein activator 2; plus strand). Cytogenetic location: 3q23.
Variant type: single nucleotide variant.
Coding change: c.1376A>G on transcript NM_006506.5 (MANE Select); coding-DNA position 1376, A replaced by G.
Protein change: p.Tyr459Cys; replaces tyrosine 459 with cysteine.
Molecular consequence: missense variant.
Genome position (GRCh38, 1-based): chr3:141,573,960, A>G. VCF-style: chr3-141573960-A-G. GRCh37 (hg19) VCF-style: chr3-141292802-A-G.
Other names: c.1376A>G, p.Tyr459Cys (NM_001303245.3, NM_001303246.3); short protein forms Y459C.
Identifiers: ClinVar variation 1931221 (VCV001931221.5), dbSNP rs756067549, ClinGen allele CA2645497.